The following is an entry in ClinVar:

NM_002474.3(MYH11):c.905A>G (p.Glu302Gly)

Gene: MYH11 (myosin heavy chain 11; minus strand). Cytogenetic location: 16p13.11.
Variant type: single nucleotide variant.
Coding change: c.905A>G on transcript NM_002474.3 (MANE Select); coding-DNA position 905, A replaced by G.
Protein change: p.Glu302Gly; replaces glutamic acid 302 with glycine.
Molecular consequence: missense variant.
Genome position (GRCh38, 1-based): chr16:15,771,697, T>C on the plus strand (A>G on the coding strand, the complement: MYH11 is on the minus strand). VCF-style: chr16-15771697-T-C. GRCh37 (hg19) VCF-style: chr16-15865554-T-C.
Other names: c.926A>G, p.Glu309Gly (NM_001040113.2, NM_001040114.2); c.905A>G, p.Glu302Gly (NM_022844.3); short protein forms E302G, E309G.
Identifiers: ClinVar variation 3070709 (VCV003070709.1), dbSNP rs2506505500, ClinGen allele CA394868179.

ClinVar aggregate classification (germline): Uncertain significance (1 of 4 stars; one submission).

Conditions:
Familial thoracic aortic aneurysm and aortic dissection (TAAD). Also called: Thoracic aortic aneurysms and dissections. Identifiers: Orphanet 91387, MedGen C4707243, MONDO:0019625.

Submission:

All of Us Research Program, National Institutes of Health
Classification: Uncertain significance for Familial thoracic aortic aneurysm and aortic dissection. Last evaluated: 2023-05-04. Review status: criteria provided, single submitter. Criteria: ACMG Guidelines, 2015. Collection method: clinical testing. Allele origin: germline. Inheritance: Autosomal dominant inheritance. Observed: 1 variant allele, 1 heterozygote.
Comment: This missense variant replaces glutamic acid with glycine at codon 309 of the MYH11 protein. Computational prediction suggests that this variant may have deleterious impact on protein structure and function (internally defined REVEL score threshold >= 0.7, PMID: 27666373). To our knowledge, functional studies have not been reported for this variant. This variant has not been reported in individuals affected with MYH11-related disorders in the literature. This variant has not been identified in the general population by the Genome Aggregation Database (gnomAD). The available evidence is insufficient to determine the role of this variant in disease conclusively. Therefore, this variant is classified as a Variant of Uncertain Significance.

This study involves interpretation of variants in research participants for the purpose of population health screening. Participant phenotype was not available at the time of variant classification. Additional details can be found in publication PMID: 35346344, PMCID: PMC8962531